The following is an entry in ClinVar:

NM_181552.4(CUX1):c.2908G>A (p.Val970Met)

Gene: CUX1 (cut like homeobox 1; plus strand). Cytogenetic location: 7q22.1.
Variant type: single nucleotide variant.
Coding change: c.2908G>A on transcript NM_181552.4 (MANE Select); coding-DNA position 2908, G replaced by A.
Protein change: p.Val970Met; replaces valine 970 with methionine.
Molecular consequence: missense variant. On other transcripts: intron variant (5).
Genome position (GRCh38, 1-based): chr7:102,204,391, G>A. VCF-style: chr7-102204391-G-A. GRCh37 (hg19) VCF-style: chr7-101847671-G-A.
Other names: c.2941G>A, p.Val981Met (NM_001202543.2); c.1255+8788G>A (NM_001913.5); c.1249+8788G>A (NM_181500.4); c.1117+8788G>A (NM_001202545.3); c.1207+8788G>A (NM_001202544.3); c.1138+8788G>A (NM_001202546.3); short protein forms V970M, V981M.
Identifiers: ClinVar variation 4686550 (VCV004686550.1).

ClinVar aggregate classification (germline): Uncertain significance (1 of 4 stars; one submission).

gnomAD v4.1: 1 of 1,613,388 alleles (0.000062%); highest among the groups gnomAD compares: Non-Finnish European, 0.000085%; no homozygotes.

Submission:

GeneDx
Classification: Uncertain significance. Last evaluated: 2025-07-19. Review status: criteria provided, single submitter. Criteria: GeneDx Variant Classification Process June 2021. Collection method: clinical testing. Allele origin: germline. Affected: yes.
Comment: Not observed at significant frequency in large population cohorts (gnomAD); In silico analysis suggests that this missense variant does not alter protein structure/function; Has not been previously published as pathogenic or benign to our knowledge